The following is an entry in ClinVar:

GRCh38/hg38 10q26.3(chr10:133440535-133564028)x3

Genes: CYP2E1 (cytochrome P450 family 2 subfamily E member 1; plus strand), SCART1 (scavenger receptor family member expressed on T cells 1; plus strand), SYCE1 (synaptonemal complex central element protein 1; minus strand), LOC110599585 (CYP2E1 5' regulatory region; plus strand), LOC126861107 (BRD4-independent group 4 enhancer GRCh37_chr10:135344892-135346091; plus strand) and 5 more. Cytogenetic location: 10q26.3.
Variant type: copy number gain.
Change: copy number 3 (three copies instead of two) of chr10:133,440,535-133,564,028 (123.5 kb, GRCh38 coordinates, 1-based), cytogenetic band 10q26.3.
Identifiers: ClinVar variation 160995 (VCV000160995.1).

ClinVar aggregate classification (germline): Benign (1 of 4 stars; one submission).

Submission:

ISCA site 4
Classification: Benign. Last evaluated: 2011-08-12. Review status: criteria provided, single submitter. Criteria: Kaminsky et al. (Genet Med. 2011). Collection method: clinical testing. Allele origin: unknown. Affected: yes. Observed: 10 variant alleles. Clinical features observed: Developmental delay AND/OR other significant developmental or morphological phenotypes, Global developmental delay (HP:0001263), Seizure (HP:0001250), Abnormality of the nervous system (HP:0000707).
Comment: Copy number variation identified through the course of routine clinical cytogenomic testing in postnatal populations. Clinical assertions have been curated as described in Kaminsky et al. 2011.